The following is an entry in ClinVar:

ClinVar aggregate classification (germline): Likely pathogenic (1 of 4 stars; one submission).

Conditions:
Autosomal recessive limb-girdle muscular dystrophy type 2J (LGMDR10). Also called: Limb-girdle muscular dystrophy, type 2J; MUSCULAR DYSTROPHY, LIMB-GIRDLE, AUTOSOMAL RECESSIVE 10. Identifiers: Orphanet 140922, MedGen C1837342, MONDO:0012127, OMIM 608807.
Dilated cardiomyopathy 1G (CMD1G). Identifiers: Orphanet 154, MedGen C1858763, MONDO:0011400, OMIM 604145.

Submission:

Labcorp Genetics (formerly Invitae), Labcorp
Classification: Likely pathogenic for Dilated cardiomyopathy 1G; Autosomal recessive limb-girdle muscular dystrophy type 2J. Last evaluated: 2026-01-26. Review status: criteria provided, single submitter. Criteria: Invitae Variant Classification Sherloc (09022015). Collection method: clinical testing. Allele origin: germline.
Comment: This sequence change affects a donor splice site in intron 97 of the TTN gene. It is expected to disrupt RNA splicing and likely results in a truncated or disrupted TTN protein. This variant is not present in population databases (gnomAD no frequency). This variant has not been reported in the literature in individuals affected with TTN-related conditions. Algorithms developed to predict the effect of sequence changes on RNA splicing suggest that this variant may disrupt the consensus splice site. This variant is located in the I band of TTN (PMID: 25589632). Truncating variants in this region have been reported in individuals affected with autosomal recessive centronuclear myopathy (PMID: 23975875, internal data). Truncating variants in this region have also been identified in individuals affected with autosomal dominant dilated cardiomyopathy and/or cardio-related conditions (PMID: 27869827, 32964742, internal data). In summary, the currently available evidence indicates that the variant is pathogenic, but additional data are needed to prove that conclusively. Therefore, this variant has been classified as Likely Pathogenic.

Literature cited by the submitters: PubMed 25589632; PubMed 23975875; PubMed 27869827; PubMed 32964742.

NM_001267550.2(TTN):c.28174+1G>A

Gene: TTN (titin; minus strand). Cytogenetic location: 2q31.2.
Variant type: single nucleotide variant.
Coding change: c.28174+1G>A on transcript NM_001267550.2 (MANE Select); the canonical splice donor site of the intron after coding-DNA position 28174, G replaced by A.
Molecular consequence: splice donor variant. On other transcripts: intron variant (3).
Genome position (GRCh38, 1-based): chr2:178,711,061, C>T on the plus strand (G>A on the coding strand, the complement: TTN is on the minus strand). VCF-style: chr2-178711061-C-T. GRCh37 (hg19) VCF-style: chr2-179575788-C-T.
Other names: c.13282+27021G>A (NM_003319.4); c.13858+27021G>A (NM_133437.4); c.13657+27021G>A (NM_133432.3); c.24442+1G>A (NM_133378.4); c.27223+1G>A (NM_001256850.1).
Identifiers: ClinVar variation 4787371 (VCV004787371.1).